The following is an entry in ClinVar:

NM_002878.4(RAD51D):c.6_13dup (p.Arg5fs)

Genes: RAD51D (RAD51 paralog D; minus strand), RAD51L3-RFFL (RAD51L3-RFFL readthrough; minus strand). Cytogenetic location: 17q12.
Variant type: Duplication.
Coding change: c.6_13dup on transcript NM_002878.4 (MANE Select); coding-DNA positions 6 to 13, 8 bases duplicated (CGTGCTCA; older notation c.6_13dupCGTGCTCA).
Protein change: p.Arg5fs; shifts the reading frame from arginine 5.
Molecular consequence: frameshift variant. On other transcripts: non-coding transcript variant (2).
Genome position (GRCh38, 1-based): chr17:35,119,601-35,119,608, TGAGCACG duplicated on the plus strand (CGTGCTCA on the coding strand, the reverse complement: RAD51D is on the minus strand). VCF-style (leftmost placement, unchanged base first): chr17-35119600-C-CTGAGCACG. GRCh37 (hg19) VCF-style: chr17-33446619-C-CTGAGCACG.
Other names: c.6_13dup, p.Arg5fs (NM_001142571.2, NM_133629.3); short protein forms R5fs.
Identifiers: ClinVar variation 548813 (VCV000548813.4), dbSNP rs1555570506, ClinGen allele CA658823903.
Genomic context (GRCh38, chr17:35,119,600, plus strand): 5'-ATCCTGTGGCTCCTGAGAAGCTGGATCATCTCCTCGGTAAGGCCAGGGCACAGTCCGACC[C>CTGAGCACG]TGAGCACGCCCATGTTCCCCGCAGGCCGGAACAGCCCCAGGGGGACTGCACGTCACGTGG-3'

ClinVar aggregate classification (germline): Pathogenic. Review status: criteria provided, single submitter (1 of 4 stars). 2 submissions from 2 submitters: Pathogenic (1). 1 of the submissions does not count toward it. Last evaluated 2024-09-09.

Conditions:
Breast-ovarian cancer, familial, susceptibility to, 4. Identifiers: Orphanet 145, MedGen C3280345, MONDO:0013669, OMIM 614291.

Submissions (2):

Labcorp Genetics (formerly Invitae), Labcorp
Classification: Pathogenic for Breast-ovarian cancer, familial, susceptibility to, 4. Last evaluated: 2024-09-09. Review status: criteria provided, single submitter. Criteria: Invitae Variant Classification Sherloc (09022015). Collection method: clinical testing. Allele origin: germline.
Comment: This sequence change creates a premature translational stop signal (p.Arg5Thrfs*15) in the RAD51D gene. It is expected to result in an absent or disrupted protein product. Loss-of-function variants in RAD51D are known to be pathogenic (PMID: 21822267). This variant is not present in population databases (gnomAD no frequency). This variant has not been reported in the literature in individuals affected with RAD51D-related conditions. ClinVar contains an entry for this variant (Variation ID: 548813). For these reasons, this variant has been classified as Pathogenic.

Counsyl
Classification: Likely pathogenic for Breast-ovarian cancer, familial, susceptibility to, 4. Last evaluated: 2017-11-21. Review status: no assertion criteria provided. Collection method: clinical testing. Allele origin: unknown. Not counted in ClinVar's aggregate classification.

Literature cited by the submitters: PubMed 21822267 (cited by Labcorp Genetics (formerly Invitae), Labcorp).